The following is an entry in ClinVar:

ClinVar aggregate classification (germline): Uncertain significance (1 of 4 stars; one submission).

Submission:

Ambry Genetics
Classification: Uncertain significance. Last evaluated: 2021-09-26. Review status: criteria provided, single submitter. Criteria: Ambry Variant Classification Scheme 2023. Collection method: clinical testing. Allele origin: germline.
Comment: The p.W582G variant (also known as c.1744T>G), located in coding exon 16 of the BUB1 gene, results from a T to G substitution at nucleotide position 1744. The tryptophan at codon 582 is replaced by glycine, an amino acid with highly dissimilar properties. This amino acid position is conserved. In addition, the in silico prediction for this alteration is inconclusive. Since supporting evidence is limited at this time, the clinical significance of this alteration remains unclear.

NM_004336.5(BUB1):c.1744T>G (p.Trp582Gly)

Gene: BUB1 (BUB1 mitotic checkpoint serine/threonine kinase; minus strand). Cytogenetic location: 2q13.
Variant type: single nucleotide variant.
Coding change: c.1744T>G on transcript NM_004336.5 (MANE Select); coding-DNA position 1744, T replaced by G.
Protein change: p.Trp582Gly; replaces tryptophan 582 with glycine.
Molecular consequence: missense variant.
Genome position (GRCh38, 1-based): chr2:110,655,871, A>C on the plus strand (T>G on the coding strand, the complement: BUB1 is on the minus strand). VCF-style: chr2-110655871-A-C. GRCh37 (hg19) VCF-style: chr2-111413448-A-C.
Other names: c.1684T>G, p.Trp562Gly (NM_001278616.2); c.1744T>G, p.Trp582Gly (NM_001278617.2); short protein forms W582G, W562G.
Identifiers: ClinVar variation 1779270 (VCV001779270.2), dbSNP rs2468002113, ClinGen allele CA348210965.